The following is an entry in ClinVar:

ClinVar aggregate classification (germline): Uncertain significance (0 of 4 stars; one submission).

Conditions:
KDM5B-related disorder. Also called: KDM5B-related condition.

Allele frequency attached by ClinVar (database versions not stated): TOPMed below 0.00001; ExAC 0.00001; ESP Exome Variant Server 0.00008.
gnomAD v4.1: 4 of 1,614,044 alleles (0.00025%); highest among the groups gnomAD compares: Non-Finnish European, 0.00034%; no homozygotes.

Submission:

PreventionGenetics, part of Exact Sciences
Classification: Uncertain significance for KDM5B-related condition. Last evaluated: 2024-01-22. Review status: no assertion criteria provided. Collection method: clinical testing. Allele origin: germline.
Comment: The KDM5B c.4450G>C variant is predicted to result in the amino acid substitution p.Asp1484His. To our knowledge, this variant has not been reported in the literature. This variant is reported in 0.00088% of alleles in individuals of European (Non-Finnish) descent in gnomAD. At this time, the clinical significance of this variant is uncertain due to the absence of conclusive functional and genetic evidence.

NM_006618.5(KDM5B):c.4450G>C (p.Asp1484His)

Gene: KDM5B (lysine demethylase 5B; minus strand). Cytogenetic location: 1q32.1.
Variant type: single nucleotide variant.
Coding change: c.4450G>C on transcript NM_006618.5 (MANE Select); coding-DNA position 4450, G replaced by C.
Protein change: p.Asp1484His; replaces aspartic acid 1484 with histidine.
Molecular consequence: missense variant.
Genome position (GRCh38, 1-based): chr1:202,729,754, C>G on the plus strand (G>C on the coding strand, the complement: KDM5B is on the minus strand). VCF-style: chr1-202729754-C-G. GRCh37 (hg19) VCF-style: chr1-202698882-C-G.
Other names: c.4558G>C, p.Asp1520His (NM_001314042.2); c.4315G>C, p.Asp1439His (NM_001347591.2); c.4435G>C, p.Asp1479His (NM_001399817.1); short protein forms D1439H, D1479H, D1484H, D1520H.
Identifiers: ClinVar variation 3036833 (VCV003036833.2), dbSNP rs368011425, ClinGen allele CA1333957.
Genomic context (GRCh38, chr1:202,729,754, plus strand): 5'-AAACCTCACTGACCTCATCTCCTTCTGGCTGCAGGCAGCTCACAGCTGGGCAGATGGCAT[C>G]TTCATCCTCAGAGTCTTCCTGTTCGGAATAGGATGTGTCTGAGGGCAGGGAATGAGTTTC-3'
Protein context (NP_006609.3, residues 1474-1494): YSEQEDSEDE[Asp1484His]AICPAVSCLQ